The following is an entry in ClinVar:

NM_000179.3(MSH6):c.1989T>C (p.Thr663=)

Gene: MSH6 (mutS homolog 6; plus strand). Cytogenetic location: 2p16.3.
Variant type: single nucleotide variant.
Coding change: c.1989T>C on transcript NM_000179.3 (MANE Select); coding-DNA position 1989, T replaced by C.
Protein change: p.Thr663=; no amino-acid change (threonine 663 retained).
Molecular consequence: synonymous variant.
Genome position (GRCh38, 1-based): chr2:47,799,972, T>C. VCF-style: chr2-47799972-T-C. GRCh37 (hg19) VCF-style: chr2-48027111-T-C.
Other names: c.1599T>C, p.Thr533= (NM_001281492.2); c.1083T>C, p.Thr361= (NM_001281493.2, NM_001281494.2).
Identifiers: ClinVar variation 378168 (VCV000378168.18), dbSNP rs1057520324, ClinGen allele CA16604583.

ClinVar aggregate classification (germline): Benign/Likely benign. Review status: criteria provided, multiple submitters, no conflicts (2 of 4 stars). 5 submissions from 5 submitters: Benign (1); Likely benign (4). Last evaluated 2025-07-07.

Conditions:
Hereditary nonpolyposis colorectal neoplasms. Identifiers: MedGen C0009405, MeSH D003123.
Hereditary cancer-predisposing syndrome. Also called: Hereditary neoplastic syndrome; Hereditary Cancer Syndrome; Neoplastic Syndromes, Hereditary; Tumor predisposition. Identifiers: Orphanet 140162, MedGen C0027672, MeSH D009386, MONDO:0015356.
Lynch syndrome 5 (LYNCH5). Also called: Colorectal cancer, hereditary nonpolyposis, type 5; Hereditary non-polyposis colorectal cancer, type 5. Identifiers: Orphanet 144, MedGen C1833477, MONDO:0013710, OMIM 614350. Disease mechanism: loss of function.

gnomAD v4.1: 2 of 1,614,114 alleles (0.00012%); highest among the groups gnomAD compares: Non-Finnish European, 0.000085%; no homozygotes.

Submissions (5):

Color Diagnostics, LLC DBA Color Health
Classification: Likely benign for Hereditary cancer-predisposing syndrome. Last evaluated: 2025-07-07. Review status: criteria provided, single submitter. Criteria: ACMG Guidelines, 2015. Collection method: clinical testing. Allele origin: germline.

Labcorp Genetics (formerly Invitae), Labcorp
Classification: Likely benign for Hereditary nonpolyposis colorectal neoplasms. Last evaluated: 2025-04-02. Review status: criteria provided, single submitter. Criteria: Invitae Variant Classification Sherloc (09022015). Collection method: clinical testing. Allele origin: germline.

Myriad Genetics, Inc.
Classification: Benign for Lynch syndrome 5. Last evaluated: 2024-12-30. Review status: criteria provided, single submitter. Criteria: Myriad Autosomal Dominant, Autosomal Recessive and X-Linked Classification Criteria (2023). Collection method: clinical testing. Allele origin: unknown.
Comment: This variant is considered benign. This variant is a silent/synonymous amino acid change and it is not expected to impact splicing.

Ambry Genetics
Classification: Likely benign for Hereditary cancer-predisposing syndrome. Last evaluated: 2019-09-12. Review status: criteria provided, single submitter. Criteria: Ambry Variant Classification Scheme 2023. Collection method: clinical testing. Allele origin: germline.

GeneDx
Classification: Likely benign. Last evaluated: 2018-08-24. Review status: criteria provided, single submitter. Criteria: GeneDx Variant Classification Process June 2021. Collection method: clinical testing. Allele origin: germline. Affected: yes.